The following is an entry in ClinVar:

ClinVar aggregate classification (germline): Pathogenic (0 of 4 stars; one submission).

Conditions:
Nephronophthisis. Also called: Juvenile Nephronophthisis. Identifiers: Orphanet 655, MedGen C0687120, MONDO:0019005, HP:0000090.

Submission:

Sydney Genome Diagnostics, Children's Hospital Westmead
Classification: Pathogenic for Nephronophthisis. Last evaluated: 2016-07-26. Review status: no assertion criteria provided. Collection method: clinical testing. Allele origin: unknown. Affected: yes. Observed: 1 variant allele, 1 compound heterozygote.
Comment: This frameshifting variant is predicted to create a premature stop codon, p.(Lys198Glufs*23), and may result in a null allele due to nonsense-mediated mRNA decay. The c.592_593del variant has not been reported in any population databases (i.e. ExAC, ESP or dbSNP). To our knowledge, this variant has not been previously reported in the literature to be associated with disease. However, other truncating variants downstream of this amino acid have been described in the literature as disease-causing (OMIM *604896). This variant is considered to be pathogenic according to the ACMG guidelines.

NM_170784.3(MKKS):c.592_593del (p.Lys198fs)

Gene: MKKS (MKKS centrosomal shuttling protein; minus strand). Cytogenetic location: 20p12.2.
Variant type: Deletion.
Coding change: c.592_593del on transcript NM_170784.3 (MANE Select); coding-DNA positions 592 to 593, 2 bases deleted (AA; older notation c.592_593delAA).
Protein change: p.Lys198fs; shifts the reading frame from lysine 198.
Molecular consequence: frameshift variant.
Genome position (GRCh38, 1-based): chr20:10,412,922-10,412,923, TT deleted on the plus strand (AA on the coding strand, the reverse complement: MKKS is on the minus strand); deleting any 2 consecutive bases within chr20:10,412,922-10,412,924 gives the same sequence; the c. name uses the placement nearest the transcript's 3' end. VCF-style (leftmost placement, unchanged base first): chr20-10412921-CTT-C. GRCh37 (hg19) VCF-style: chr20-10393569-CTT-C.
Other names: c.592_593del, p.Lys198fs (NM_018848.3); short protein forms K198fs.
Identifiers: ClinVar variation 988194 (VCV000988194.1), dbSNP rs2064903228, ClinGen allele CA2349780875.